The following is an entry in ClinVar:

NM_006397.3(RNASEH2A):c.199+5G>T

Gene: RNASEH2A (ribonuclease H2 subunit A; plus strand). Cytogenetic location: 19p13.13.
Variant type: single nucleotide variant.
Coding change: c.199+5G>T on transcript NM_006397.3 (MANE Select); 5 bases into the intron after coding-DNA position 199, G replaced by T.
Molecular consequence: intron variant.
Genome position (GRCh38, 1-based): chr19:12,807,084, G>T. VCF-style: chr19-12807084-G-T. GRCh37 (hg19) VCF-style: chr19-12917898-G-T.
Identifiers: ClinVar variation 1430888 (VCV001430888.4), dbSNP rs1969004135, ClinGen allele CA993668859.
Genomic context (GRCh38, chr19:12,807,084, plus strand): 5'-CATCTGTTATTGTCCCCTGCCTCGCCTGGCAGATCTGGAGGCGCTGAAAGTGGCAGGTGA[G>T]CCCGAGGTGTGCGTCTGGGGAAGGGATTCCTGGGTATGTGCAGGGGCAGGTGAGAACTGA-3'

ClinVar aggregate classification (germline): Uncertain significance (1 of 4 stars; one submission).

Conditions:
Aicardi-Goutieres syndrome 4. Identifiers: Orphanet 51, MedGen C1835912, MONDO:0012472, OMIM 610333.

Allele frequency attached by ClinVar (database versions not stated): gnomAD exomes below 0.00001; TOPMed below 0.00001; gnomAD 0.00001.
gnomAD v4.1: 3 of 1,614,038 alleles (0.00019%); highest among the groups gnomAD compares: African/African-American, 0.004%; no homozygotes.

Submission:

Labcorp Genetics (formerly Invitae), Labcorp
Classification: Uncertain significance for Aicardi-Goutieres syndrome 4. Last evaluated: 2021-08-03. Review status: criteria provided, single submitter. Criteria: Invitae Variant Classification Sherloc (09022015). Collection method: clinical testing. Allele origin: germline.
Comment: This sequence change falls in intron 2 of the RNASEH2A gene. It does not directly change the encoded amino acid sequence of the RNASEH2A protein. It affects a nucleotide within the consensus splice site of the intron. This variant is not present in population databases (ExAC no frequency). This variant has not been reported in the literature in individuals affected with RNASEH2A-related conditions. Variants that disrupt the consensus splice site are a relatively common cause of aberrant splicing (PMID: 17576681, 9536098). Algorithms developed to predict the effect of sequence changes on RNA splicing suggest that this variant may disrupt the consensus splice site. In summary, the available evidence is currently insufficient to determine the role of this variant in disease. Therefore, it has been classified as a Variant of Uncertain Significance.

Literature cited by the submitters: PubMed 17576681; PubMed 9536098.